The following is an entry in ClinVar:

NM_198129.4(LAMA3):c.6543C>A (p.Asn2181Lys)

Gene: LAMA3 (laminin subunit alpha 3; plus strand). Cytogenetic location: 18q11.2.
Variant type: single nucleotide variant.
Coding change: c.6543C>A on transcript NM_198129.4 (MANE Select); coding-DNA position 6543, C replaced by A.
Protein change: p.Asn2181Lys; replaces asparagine 2181 with lysine.
Molecular consequence: missense variant.
Genome position (GRCh38, 1-based): chr18:23,904,622, C>A. VCF-style: chr18-23904622-C-A. GRCh37 (hg19) VCF-style: chr18-21484586-C-A.
Other names: c.1716C>A, p.Asn572Lys (NM_000227.6); c.6375C>A, p.Asn2125Lys (NM_001127717.4); c.1548C>A, p.Asn516Lys (NM_001127718.4); short protein forms N2125K, N2181K, N516K, N572K.
Identifiers: ClinVar variation 4527087 (VCV004527087.1).

ClinVar aggregate classification (germline): Uncertain significance (1 of 4 stars; one submission).

gnomAD v4.1: 8 of 1,613,764 alleles (0.0005%); highest among the groups gnomAD compares: Admixed American, 0.013%; no homozygotes.

Submission:

GeneDx
Classification: Uncertain significance. Last evaluated: 2025-04-21. Review status: criteria provided, single submitter. Criteria: GeneDx Variant Classification Process June 2021. Collection method: clinical testing. Allele origin: germline. Affected: yes.
Comment: In silico analysis supports that this missense variant has a deleterious effect on protein structure/function; Has not been previously published as pathogenic or benign to our knowledge